The following is an entry in ClinVar:

ClinVar aggregate classification (germline): Conflicting classifications of pathogenicity. Review status: criteria provided, conflicting classifications (1 of 4 stars). 2 submissions from 2 submitters: Uncertain significance (1); Likely benign (1). Last evaluated 2025-09-05.

Conditions:
Marfan syndrome (MFS). Also called: MARFAN SYNDROME, TYPE I; Marfan syndrome type 1; Marfan's syndrome; Marfan syndrome, classic; FBN1-Related Marfan Syndrome. Identifiers: Orphanet 284963, Orphanet 558, MedGen C0024796, MONDO:0007947, OMIM 154700.
Familial thoracic aortic aneurysm and aortic dissection (TAAD). Also called: Thoracic aortic aneurysms and dissections. Identifiers: Orphanet 91387, MedGen C4707243, MONDO:0019625.

gnomAD v4.1: 13 of 1,613,492 alleles (0.00081%); highest among the groups gnomAD compares: Admixed American, 0.0017%; no homozygotes.

Submissions (2):

Color Diagnostics, LLC DBA Color Health
Classification: Uncertain significance for Familial thoracic aortic aneurysm and aortic dissection. Last evaluated: 2025-09-05. Review status: criteria provided, single submitter. Criteria: ACMG Guidelines, 2015. Collection method: clinical testing. Allele origin: germline.
Comment: This missense variant replaces isoleucine with valine at codon 1909 of the FBN1 protein. Computational prediction suggests that this variant may not impact protein structure and function. To our knowledge, functional studies have not been reported for this variant. This variant has not been reported in individuals affected with FBN1-related disorders in the literature. This variant has been identified in 1/251056 chromosomes in the general population by the Genome Aggregation Database (gnomAD). The available evidence is insufficient to determine the role of this variant in disease conclusively. Therefore, this variant is classified as a Variant of Uncertain Significance.

Labcorp Genetics (formerly Invitae), Labcorp
Classification: Likely benign for Marfan syndrome; Familial thoracic aortic aneurysm and aortic dissection. Last evaluated: 2024-09-27. Review status: criteria provided, single submitter. Criteria: Invitae Variant Classification Sherloc (09022015). Collection method: clinical testing. Allele origin: germline.

NM_000138.5(FBN1):c.5725A>G (p.Ile1909Val)

Gene: FBN1 (fibrillin 1; minus strand). Cytogenetic location: 15q21.1.
Variant type: single nucleotide variant.
Coding change: c.5725A>G on transcript NM_000138.5 (MANE Select); coding-DNA position 5725, A replaced by G.
Protein change: p.Ile1909Val; replaces isoleucine 1909 with valine.
Molecular consequence: missense variant.
Genome position (GRCh38, 1-based): chr15:48,446,769, T>C on the plus strand (A>G on the coding strand, the complement: FBN1 is on the minus strand). VCF-style: chr15-48446769-T-C. GRCh37 (hg19) VCF-style: chr15-48738966-T-C.
Other names: c.5725A>G, p.Ile1909Val (NM_001406716.1); short protein forms I1909V.
Identifiers: ClinVar variation 2930898 (VCV002930898.4), dbSNP rs886038785, ClinGen allele CA269533742.